The following is an entry in ClinVar:

ClinVar aggregate classification (germline): Uncertain significance. Review status: criteria provided, multiple submitters, no conflicts (2 of 4 stars). 2 submissions from 2 submitters: Uncertain significance (2). Last evaluated 2022-03-17.

Conditions:
DNA ligase IV deficiency. Identifiers: Orphanet 99812, MedGen C1847827, MONDO:0011686, OMIM 606593.

Allele frequency attached by ClinVar (database versions not stated): gnomAD exomes 0.00001 and 0.00002; TOPMed 0.00001.
gnomAD v4.1: 6 of 1,614,040 alleles (0.00037%); highest among the groups gnomAD compares: Admixed American, 0.005%; no homozygotes.

Submissions (2):

Labcorp Genetics (formerly Invitae), Labcorp
Classification: Uncertain significance for DNA ligase IV deficiency. Last evaluated: 2022-03-17. Review status: criteria provided, single submitter. Criteria: Invitae Variant Classification Sherloc (09022015). Collection method: clinical testing. Allele origin: germline.
Comment: This sequence change replaces threonine, which is neutral and polar, with proline, which is neutral and non-polar, at codon 176 of the LIG4 protein (p.Thr176Pro). This variant is present in population databases (no rsID available, gnomAD 0.009%). This variant has not been reported in the literature in individuals affected with LIG4-related conditions. ClinVar contains an entry for this variant (Variation ID: 435754). Algorithms developed to predict the effect of missense changes on protein structure and function (SIFT, PolyPhen-2, Align-GVGD) all suggest that this variant is likely to be tolerated. In summary, the available evidence is currently insufficient to determine the role of this variant in disease. Therefore, it has been classified as a Variant of Uncertain Significance.

Genetic Services Laboratory, University of Chicago
Classification: Uncertain significance. Last evaluated: 2016-05-05. Review status: criteria provided, single submitter. Criteria: ACMG Guidelines, 2015. Collection method: clinical testing. Allele origin: germline. Affected: no.

NM_206937.2(LIG4):c.526A>C (p.Thr176Pro)

Gene: LIG4 (DNA ligase 4; minus strand). Cytogenetic location: 13q33.3.
Variant type: single nucleotide variant.
Coding change: c.526A>C on transcript NM_206937.2 (MANE Select); coding-DNA position 526, A replaced by C.
Protein change: p.Thr176Pro; replaces threonine 176 with proline.
Molecular consequence: missense variant.
Genome position (GRCh38, 1-based): chr13:108,210,743, T>G on the plus strand (A>C on the coding strand, the complement: LIG4 is on the minus strand). VCF-style: chr13-108210743-T-G. GRCh37 (hg19) VCF-style: chr13-108863091-T-G.
Other names: c.526A>C, p.Thr176Pro (NM_001098268.2, NM_001352598.2, NM_001352599.2 and 6 more transcripts); c.325A>C, p.Thr109Pro (NM_001330595.2); c.562A>C, p.Thr188Pro (NM_001352604.2); short protein forms T176P, T109P, T188P.
Identifiers: ClinVar variation 435754 (VCV000435754.8), dbSNP rs1211502925, ClinGen allele CA388621494.